The following is an entry in ClinVar:

ClinVar aggregate classification (germline): Benign. Review status: criteria provided, single submitter (1 of 4 stars). 2 submissions from 2 submitters: Benign (1). 1 of the submissions does not count toward it. Last evaluated 2025-11-02.

Conditions:
PIK3C2A-related disorder. Also called: PIK3C2A-related condition.

Allele frequency attached by ClinVar (database versions not stated): gnomAD exomes 0.00019; gnomAD 0.00026; TOPMed 0.00028; ExAC 0.00057; 1000 Genomes Project 30x 0.00062; 1000 Genomes Project 0.00080.
gnomAD v4.1: 314 of 1,611,012 alleles (0.019%); highest among the groups gnomAD compares: East Asian, 0.65%; 1 homozygote.

Submissions (2):

Labcorp Genetics (formerly Invitae), Labcorp
Classification: Benign. Last evaluated: 2025-11-02. Review status: criteria provided, single submitter. Criteria: Invitae Variant Classification Sherloc (09022015). Collection method: clinical testing. Allele origin: germline.

PreventionGenetics, part of Exact Sciences
Classification: Benign for PIK3C2A-related condition. Last evaluated: 2019-12-16. Review status: no assertion criteria provided. Collection method: clinical testing. Allele origin: germline. Not counted in ClinVar's aggregate classification.
Comment: This variant is classified as benign based on ACMG/AMP sequence variant interpretation guidelines (Richards et al. 2015 PMID: 25741868, with internal and published modifications).

NM_002645.4(PIK3C2A):c.3449T>C (p.Leu1150Ser)

Gene: PIK3C2A (phosphatidylinositol-4-phosphate 3-kinase catalytic subunit type 2 alpha; minus strand). Cytogenetic location: 11p15.1.
Variant type: single nucleotide variant.
Coding change: c.3449T>C on transcript NM_002645.4 (MANE Select); coding-DNA position 3449, T replaced by C.
Protein change: p.Leu1150Ser; replaces leucine 1150 with serine.
Molecular consequence: missense variant.
Genome position (GRCh38, 1-based): chr11:17,110,527, A>G on the plus strand (T>C on the coding strand, the complement: PIK3C2A is on the minus strand). VCF-style: chr11-17110527-A-G. GRCh37 (hg19) VCF-style: chr11-17132074-A-G.
Other names: c.3449T>C, p.Leu1150Ser (NM_001321378.2); c.2309T>C, p.Leu770Ser (NM_001321380.2); c.3281T>C, p.Leu1094Ser (NM_001386870.1); c.3449T>C (NM_001321378.1); short protein forms L1150S, L770S, L1094S.
Identifiers: ClinVar variation 2202031 (VCV002202031.6), dbSNP rs144811457, ClinGen allele CA5900764.